The following is an entry in ClinVar:

ClinVar aggregate classification (germline): Uncertain significance. Review status: criteria provided, multiple submitters, no conflicts (2 of 4 stars). 2 submissions from 2 submitters: Uncertain significance (2). Last evaluated 2021-12-13.

Allele frequency attached by ClinVar (database versions not stated): gnomAD exomes below 0.00001; TOPMed below 0.00001; gnomAD 0.00001.
gnomAD v4.1: 7 of 1,613,966 alleles (0.00043%); highest among the groups gnomAD compares: Admixed American, 0.0017%; no homozygotes.

Submissions (2):

Labcorp Genetics (formerly Invitae), Labcorp
Classification: Uncertain significance. Last evaluated: 2021-12-13. Review status: criteria provided, single submitter. Criteria: Invitae Variant Classification Sherloc (09022015). Collection method: clinical testing. Allele origin: germline.
Comment: This sequence change replaces valine, which is neutral and non-polar, with isoleucine, which is neutral and non-polar, at codon 517 of the ELP1 protein (p.Val517Ile). This variant is present in population databases (no rsID available, gnomAD 0.003%). This variant has not been reported in the literature in individuals affected with ELP1-related conditions. Algorithms developed to predict the effect of missense changes on protein structure and function output the following: SIFT: "Tolerated"; PolyPhen-2: "Benign"; Align-GVGD: "Class C0". The isoleucine amino acid residue is found in multiple mammalian species, which suggests that this missense change does not adversely affect protein function. In summary, the available evidence is currently insufficient to determine the role of this variant in disease. Therefore, it has been classified as a Variant of Uncertain Significance.

Ambry Genetics
Classification: Uncertain significance. Last evaluated: 2021-11-29. Review status: criteria provided, single submitter. Criteria: Ambry Variant Classification Scheme 2023. Collection method: clinical testing. Allele origin: germline.
Comment: The p.V517I variant (also known as c.1549G>A), located in coding exon 13 of the IKBKAP gene, results from a G to A substitution at nucleotide position 1549. The valine at codon 517 is replaced by isoleucine, an amino acid with highly similar properties. This amino acid position is conserved. In addition, this alteration is predicted to be tolerated by in silico analysis. Since supporting evidence is limited at this time, the clinical significance of this alteration remains unclear.

NM_003640.5(ELP1):c.1549G>A (p.Val517Ile)

Gene: ELP1 (elongator acetyltransferase complex subunit 1; minus strand). Cytogenetic location: 9q31.3.
Variant type: single nucleotide variant.
Coding change: c.1549G>A on transcript NM_003640.5 (MANE Select); coding-DNA position 1549, G replaced by A.
Protein change: p.Val517Ile; replaces valine 517 with isoleucine.
Molecular consequence: missense variant.
Genome position (GRCh38, 1-based): chr9:108,906,397, C>T on the plus strand (G>A on the coding strand, the complement: ELP1 is on the minus strand). VCF-style: chr9-108906397-C-T. GRCh37 (hg19) VCF-style: chr9-111668677-C-T.
Other names: c.1207G>A, p.Val403Ile (NM_001318360.2); c.502G>A, p.Val168Ile (NM_001330749.2); short protein forms V403I, V168I, V517I.
Identifiers: ClinVar variation 1390951 (VCV001390951.5), dbSNP rs1451126639, ClinGen allele CA374427555.